The following is an entry in ClinVar:

NM_001039141.3(TRIOBP):c.5890C>T (p.Arg1964Cys)

Gene: TRIOBP (TRIO and F-actin binding protein; plus strand). Cytogenetic location: 22q13.1.
Variant type: single nucleotide variant.
Coding change: c.5890C>T on transcript NM_001039141.3 (MANE Select); coding-DNA position 5890, C replaced by T.
Protein change: p.Arg1964Cys; replaces arginine 1964 with cysteine.
Molecular consequence: missense variant.
Genome position (GRCh38, 1-based): chr22:37,757,815, C>T. VCF-style: chr22-37757815-C-T. GRCh37 (hg19) VCF-style: chr22-38153822-C-T.
Other names: c.751C>T, p.Arg251Cys (NM_007032.5, NM_138632.2); short protein forms R1964C, R251C.
Identifiers: ClinVar variation 3365542 (VCV003365542.2).

ClinVar aggregate classification (germline): Uncertain significance. Review status: criteria provided, multiple submitters, no conflicts (2 of 4 stars). 2 submissions from 2 submitters: Uncertain significance (2). Last evaluated 2024-11-26.

Conditions:
Inborn genetic diseases. Identifiers: MedGen C0950123, MeSH D030342.

gnomAD v4.1: 23 of 1,548,262 alleles (0.0015%); highest among the groups gnomAD compares: Middle Eastern, 0.034%; no homozygotes.

Submissions (2):

Ambry Genetics
Classification: Uncertain significance for Inborn genetic diseases. Last evaluated: 2024-11-26. Review status: criteria provided, single submitter. Criteria: Ambry Variant Classification Scheme 2023. Collection method: clinical testing. Allele origin: germline.

GeneDx
Classification: Uncertain significance. Last evaluated: 2023-12-14. Review status: criteria provided, single submitter. Criteria: GeneDx Variant Classification Process June 2021. Collection method: clinical testing. Allele origin: germline. Affected: yes.
Comment: Not observed at significant frequency in large population cohorts (gnomAD); In silico analysis supports that this missense variant has a deleterious effect on protein structure/function; Has not been previously published as pathogenic or benign to our knowledge